The following is an entry in ClinVar:

ClinVar aggregate classification (germline): Pathogenic (1 of 4 stars; one submission).

Submission:

Labcorp Genetics (formerly Invitae), Labcorp
Classification: Pathogenic. Last evaluated: 2023-09-11. Review status: criteria provided, single submitter. Criteria: Invitae Variant Classification Sherloc (09022015). Collection method: clinical testing. Allele origin: germline.
Comment: This variant is not present in population databases (gnomAD no frequency). This sequence change creates a premature translational stop signal (p.Ile428Leufs*16) in the SLC26A3 gene. It is expected to result in an absent or disrupted protein product. Loss-of-function variants in SLC26A3 are known to be pathogenic (PMID: 9718329, 21394828). This variant has not been reported in the literature in individuals affected with SLC26A3-related conditions. For these reasons, this variant has been classified as Pathogenic.

Literature cited by the submitters: PubMed 9718329; PubMed 21394828.

NM_000111.3(SLC26A3):c.1281del (p.Ile428fs)

Gene: SLC26A3 (solute carrier family 26 member 3; minus strand). Cytogenetic location: 7q22.3.
Variant type: Deletion.
Coding change: c.1281del on transcript NM_000111.3 (MANE Select); coding-DNA position 1281, one base deleted (C; older notation c.1281delC).
Protein change: p.Ile428fs; shifts the reading frame from isoleucine 428.
Molecular consequence: frameshift variant.
Genome position (GRCh38, 1-based): chr7:107,782,827, G deleted on the plus strand (C on the coding strand, the reverse complement: SLC26A3 is on the minus strand); the first of 2 consecutive G bases (chr7:107,782,827-107,782,828); deleting either gives the same sequence. VCF-style (leftmost placement, unchanged base first): chr7-107782826-TG-T. GRCh37 (hg19) VCF-style: chr7-107423271-TG-T.
Other names: short protein forms I428fs.
Identifiers: ClinVar variation 2760071 (VCV002760071.3), dbSNP rs2535462703, ClinGen allele CA2697557514.